The following is an entry in ClinVar:

ClinVar aggregate classification (germline): Likely benign. Review status: criteria provided, multiple submitters, no conflicts (2 of 4 stars). 2 submissions from 2 submitters: Likely benign (2). Last evaluated 2018-06-19.

Submissions (2):

GeneDx
Classification: Likely benign. Last evaluated: 2018-06-19. Review status: criteria provided, single submitter. Criteria: GeneDx Variant Classification (06012015). Collection method: clinical testing. Allele origin: germline. Affected: yes.
Comment: This variant is considered likely benign or benign based on one or more of the following criteria: it is a conservative change, it occurs at a poorly conserved position in the protein, it is predicted to be benign by multiple in silico algorithms, and/or has population frequency not consistent with disease.

Breakthrough Genomics
Classification: Likely benign. Review status: criteria provided, single submitter. Criteria: ACMG Guidelines, 2015. Collection method: not provided. Allele origin: germline. Inheritance: Autosomal recessive inheritance. Affected: yes.

NM_032551.5(KISS1R):c.245-133A>G

Gene: KISS1R (KISS1 receptor; plus strand). Cytogenetic location: 19p13.3.
Variant type: single nucleotide variant.
Coding change: c.245-133A>G on transcript NM_032551.5 (MANE Select); 133 bases into the intron before coding-DNA position 245, A replaced by G.
Molecular consequence: intron variant.
Genome position (GRCh38, 1-based): chr19:918,411, A>G. VCF-style: chr19-918411-A-G. GRCh37 (hg19) VCF-style: chr19-918411-A-G.
Identifiers: ClinVar variation 675234 (VCV000675234.2), dbSNP rs974648871, ClinGen allele CA504678835.